The following is an entry in ClinVar:

ClinVar aggregate classification (germline): Uncertain significance. Review status: criteria provided, multiple submitters, no conflicts (2 of 4 stars). 2 submissions from 2 submitters: Uncertain significance (2). Last evaluated 2024-04-01.

Conditions:
Intellectual developmental disorder, autosomal dominant 29. Also called: SETBP1 Haploinsufficiency Disorder; Intellectual disability, autosomal dominant 29. Identifiers: Orphanet 436151, MedGen C4015141, MONDO:0014482, OMIM 616078.
SETBP1-related disorder. Also called: SETBP1-related condition; SETBP1-related disorders.

Submissions (2):

Daryl Scott Lab, Baylor College of Medicine
Classification: Uncertain significance for SETBP1-related disorder. Last evaluated: 2024-04-01. Review status: criteria provided, single submitter. Criteria: ACMG Guidelines, 2015. Collection method: clinical testing. Allele origin: paternal. Observed: 1 heterozygote.
Comment: PM2

Baylor Genetics
Classification: Uncertain significance for Intellectual developmental disorder, autosomal dominant 29. Last evaluated: 2018-12-13. Review status: criteria provided, single submitter. Criteria: ACMG Guidelines, 2015. Collection method: clinical testing. Allele origin: unknown. Affected: yes.
Comment: This variant was determined to be of uncertain significance according to ACMG Guidelines, 2015 [PMID:25741868].

NM_015559.3(SETBP1):c.1990A>G (p.Lys664Glu)

Gene: SETBP1 (SET binding protein 1; plus strand). Cytogenetic location: 18q12.3.
Variant type: single nucleotide variant.
Coding change: c.1990A>G on transcript NM_015559.3 (MANE Select); coding-DNA position 1990, A replaced by G.
Protein change: p.Lys664Glu; replaces lysine 664 with glutamic acid.
Molecular consequence: missense variant.
Genome position (GRCh38, 1-based): chr18:44,951,330, A>G. VCF-style: chr18-44951330-A-G. GRCh37 (hg19) VCF-style: chr18-42531295-A-G.
Other names: c.1990A>G, p.Lys664Glu (NM_001379141.1, NM_001379142.1); short protein forms K664E.
Identifiers: ClinVar variation 1033370 (VCV001033370.2), dbSNP rs2071345387, ClinGen allele CA402320135.